The following is an entry in ClinVar:

NM_000069.3(CACNA1S):c.2228G>A (p.Gly743Glu)

Gene: CACNA1S (calcium voltage-gated channel subunit alpha1 S; minus strand). Cytogenetic location: 1q32.1.
Variant type: single nucleotide variant.
Coding change: c.2228G>A on transcript NM_000069.3 (MANE Select); coding-DNA position 2228, G replaced by A.
Protein change: p.Gly743Glu; replaces glycine 743 with glutamic acid.
Molecular consequence: missense variant.
Genome position (GRCh38, 1-based): chr1:201,070,404, C>T on the plus strand (G>A on the coding strand, the complement: CACNA1S is on the minus strand). VCF-style: chr1-201070404-C-T. GRCh37 (hg19) VCF-style: chr1-201039532-C-T.
Other names: short protein forms G743E.
Identifiers: ClinVar variation 3072159 (VCV003072159.1), dbSNP rs2464539897, ClinGen allele CA344109733.
Genomic context (GRCh38, chr1:201,070,404, plus strand): 5'-TCAGCCAGGGGACGTGGTCGGGGGCTCAGCGGGATCTCAGGCTCATCTTCCTCGTCATCC[C>T]CTGTGGGGAGAGAGAGAGGAATTAGGGGTGTCTTCCCATGCTTTGCTATGCCCATGGCTT-3'
Protein context (NP_000060.2, residues 733-753): KDPYPSADFP[Gly743Glu]DDEEDEPEIP

ClinVar aggregate classification (germline): Uncertain significance (1 of 4 stars; one submission).

Conditions:
Malignant hyperthermia, susceptibility to, 5 (MHS5). Also called: CACNA1S-Related Malignant Hyperthermia Susceptibility. Identifiers: Orphanet 423, MedGen C1866077, MONDO:0011163, OMIM 601887.

Allele frequency attached by ClinVar (database versions not stated): gnomAD exomes below 0.00001.
gnomAD v4.1: 2 of 1,613,866 alleles (0.00012%); highest among the groups gnomAD compares: Non-Finnish European, 0.00017%; no homozygotes.

Submission:

All of Us Research Program, National Institutes of Health
Classification: Uncertain significance for Malignant hyperthermia, susceptibility to, 5. Last evaluated: 2023-08-15. Review status: criteria provided, single submitter. Criteria: ACMG Guidelines, 2015. Collection method: clinical testing. Allele origin: germline. Inheritance: Autosomal dominant inheritance. Observed: 2 variant alleles, 2 heterozygotes.
Comment: This missense variant replaces glycine with glutamic acid at codon 743 of the CACNA1S protein. Computational prediction suggests that this variant may not impact protein structure and function (internally defined REVEL score threshold <= 0.5, PMID: 27666373). To our knowledge, functional studies have not been reported for this variant. This variant has not been reported in individuals affected with CACNA1S-related disorders in the literature. This variant has not been identified in the general population by the Genome Aggregation Database (gnomAD). The available evidence is insufficient to determine the role of this variant in disease conclusively. Therefore, this variant is classified as a Variant of Uncertain Significance.

This study involves interpretation of variants in research participants for the purpose of population health screening. Participant phenotype was not available at the time of variant classification. Additional details can be found in publication PMID: 35346344, PMCID: PMC8962531